The following is an entry in ClinVar:

ClinVar aggregate classification (germline): Uncertain significance (1 of 4 stars; one submission).

Submission:

GeneDx
Classification: Uncertain significance. Last evaluated: 2022-11-28. Review status: criteria provided, single submitter. Criteria: GeneDx Variant Classification Process June 2021. Collection method: clinical testing. Allele origin: germline. Affected: yes.
Comment: Not observed at significant frequency in large population cohorts (gnomAD); In silico analysis supports that this missense variant has a deleterious effect on protein structure/function; Has not been previously published as pathogenic or benign to our knowledge

NM_012301.4(MAGI2):c.2483T>C (p.Val828Ala)

Gene: MAGI2 (membrane associated guanylate kinase, WW and PDZ domain containing 2; minus strand). Cytogenetic location: 7q21.11.
Variant type: single nucleotide variant.
Coding change: c.2483T>C on transcript NM_012301.4 (MANE Select); coding-DNA position 2483, T replaced by C.
Protein change: p.Val828Ala; replaces valine 828 with alanine.
Molecular consequence: missense variant.
Genome position (GRCh38, 1-based): chr7:78,168,029, A>G on the plus strand (T>C on the coding strand, the complement: MAGI2 is on the minus strand). VCF-style: chr7-78168029-A-G. GRCh37 (hg19) VCF-style: chr7-77797346-A-G.
Other names: c.2441T>C, p.Val814Ala (NM_001301128.2); short protein forms V814A, V828A.
Identifiers: ClinVar variation 2503401 (VCV002503401.1), dbSNP rs2485790641, ClinGen allele CA367852067.